The following is an entry in ClinVar:

ClinVar aggregate classification (germline): Likely pathogenic. Review status: criteria provided, multiple submitters, no conflicts (2 of 4 stars). 2 submissions from 2 submitters: Likely pathogenic (2). Last evaluated 2024-02-24.

Conditions:
NFKB1-related disorder. Also called: NFKB1-related condition.

Submissions (2):

Labcorp Genetics (formerly Invitae), Labcorp
Classification: Likely pathogenic. Last evaluated: 2024-02-24. Review status: criteria provided, single submitter. Criteria: Invitae Variant Classification Sherloc (09022015). Collection method: clinical testing. Allele origin: germline.
Comment: This sequence change affects an acceptor splice site in intron 10 of the NFKB1 gene. It is expected to disrupt RNA splicing. Variants that disrupt the donor or acceptor splice site typically lead to a loss of protein function (PMID: 16199547), and loss-of-function variants in NFKB1 are known to be pathogenic (PMID: 26279205, 29477724). This variant is not present in population databases (gnomAD no frequency). This variant has not been reported in the literature in individuals affected with NFKB1-related conditions. ClinVar contains an entry for this variant (Variation ID: 1482674). Algorithms developed to predict the effect of sequence changes on RNA splicing suggest that this variant may disrupt the consensus splice site. In summary, the currently available evidence indicates that the variant is pathogenic, but additional data are needed to prove that conclusively. Therefore, this variant has been classified as Likely Pathogenic.

Blueprint Genetics
Classification: Likely pathogenic for NFKB1-related disorders. Last evaluated: 2020-04-21. Review status: criteria provided, single submitter. Criteria: ACMG Guidelines, 2015. Collection method: clinical testing. Allele origin: germline. Affected: yes. Observed: 3 variant alleles.

Literature cited by the submitters: PubMed 16199547 (cited by Labcorp Genetics (formerly Invitae), Labcorp); PubMed 26279205 (cited by Labcorp Genetics (formerly Invitae), Labcorp); PubMed 29477724 (cited by Labcorp Genetics (formerly Invitae), Labcorp).

NM_003998.4(NFKB1):c.928-1G>A

Gene: NFKB1 (nuclear factor kappa B subunit 1; plus strand). Cytogenetic location: 4q24.
Variant type: single nucleotide variant.
Coding change: c.928-1G>A on transcript NM_003998.4 (MANE Select); the canonical splice acceptor site of the intron before coding-DNA position 928, G replaced by A.
Molecular consequence: splice acceptor variant.
Genome position (GRCh38, 1-based): chr4:102,584,681, G>A. VCF-style: chr4-102584681-G-A. GRCh37 (hg19) VCF-style: chr4-103505838-G-A.
Other names: c.928-1G>A (NM_001382626.1, NM_001382625.1); c.925-1G>A (NM_001382627.1, NM_001165412.2, NM_001319226.2); c.886-1G>A (NM_001382628.1).
Identifiers: ClinVar variation 1482674 (VCV001482674.7), dbSNP rs2149192562, ClinGen allele CA357960766.